The following is an entry in ClinVar:

NM_005633.4(SOS1):c.3585A>G (p.Arg1195=)

Gene: SOS1 (SOS Ras/Rac guanine nucleotide exchange factor 1; minus strand). Cytogenetic location: 2p22.1.
Variant type: single nucleotide variant.
Coding change: c.3585A>G on transcript NM_005633.4 (MANE Select); coding-DNA position 3585, A replaced by G.
Protein change: p.Arg1195=; no amino-acid change (arginine 1195 retained).
Molecular consequence: synonymous variant.
Genome position (GRCh38, 1-based): chr2:38,986,241, T>C on the plus strand (A>G on the coding strand, the complement: SOS1 is on the minus strand). VCF-style: chr2-38986241-T-C. GRCh37 (hg19) VCF-style: chr2-39213382-T-C.
Other names: p.R1195R:CGA>CGG; c.3564A>G, p.Arg1188= (NM_001382394.1); c.3540A>G, p.Arg1180= (NM_001382395.1).
Identifiers: ClinVar variation 139229 (VCV000139229.10), dbSNP rs587781173, ClinGen allele CA293651.

ClinVar aggregate classification (germline): Conflicting classifications of pathogenicity. Review status: criteria provided, conflicting classifications (1 of 4 stars). 5 submissions from 4 submitters: Uncertain significance (2); Benign (1); Likely benign (2). Last evaluated 2025-12-28.

Conditions:
Cardiovascular phenotype. Identifiers: MedGen CN230736.
RASopathy. Also called: rasopathies; Noonan spectrum disorder. Identifiers: Orphanet 536391, MedGen C5555857, MONDO:0021060.
Noonan syndrome 4 (NS4). Also called: SOS1-Related Noonan Syndrome; NOONAN SYNDROME WITH PIGMENTED VILLONODULAR SYNOVITIS. Identifiers: Orphanet 648, MedGen C1853120, MONDO:0012547, OMIM 610733.
Fibromatosis, gingival, 1 (GINGF1). Identifiers: Orphanet 2024, MedGen C4551558, MONDO:0007609, OMIM 135300.

Allele frequency attached by ClinVar (database versions not stated): gnomAD exomes below 0.00001; TOPMed below 0.00001; gnomAD 0.00001.
gnomAD v4.1: 4 of 1,613,716 alleles (0.00025%); highest among the groups gnomAD compares: Non-Finnish European, 0.00034%; no homozygotes.

Submissions (5):

Labcorp Genetics (formerly Invitae), Labcorp
Classification: Likely benign for RASopathy. Last evaluated: 2025-12-28. Review status: criteria provided, single submitter. Criteria: Invitae Variant Classification Sherloc (09022015). Collection method: clinical testing. Allele origin: germline.

Ambry Genetics
Classification: Likely benign for Cardiovascular phenotype. Last evaluated: 2022-04-19. Review status: criteria provided, single submitter. Criteria: Ambry Variant Classification Scheme 2023. Collection method: clinical testing. Allele origin: germline.

Illumina Laboratory Services, Illumina
Classification: Uncertain significance for Noonan syndrome 4. Last evaluated: 2018-01-12. Review status: criteria provided, single submitter. Criteria: ICSL Variant Classification Criteria 13 December 2019. Collection method: clinical testing. Allele origin: germline.

Illumina Laboratory Services, Illumina
Classification: Uncertain significance for Fibromatosis, gingival, 1. Last evaluated: 2018-01-12. Review status: criteria provided, single submitter. Criteria: ICSL Variant Classification Criteria 13 December 2019. Collection method: clinical testing. Allele origin: germline.

GeneDx
Classification: Benign. Last evaluated: 2013-04-08. Review status: criteria provided, single submitter. Criteria: GeneDx Variant Classification (06012015). Collection method: clinical testing. Allele origin: germline. Affected: yes.
Comment: This variant is considered likely benign or benign based on one or more of the following criteria: it is a conservative change, it occurs at a poorly conserved position in the protein, it is predicted to be benign by multiple in silico algorithms, and/or has population frequency not consistent with disease.